The following is an entry in ClinVar:

NM_001042492.3(NF1):c.1729_1734del (p.Met577_Leu578del)

Gene: NF1 (neurofibromin 1; plus strand). Cytogenetic location: 17q11.2.
Variant type: Deletion.
Coding change: c.1729_1734del on transcript NM_001042492.3 (MANE Select); coding-DNA positions 1729 to 1734, 6 bases deleted (ATGCTT; older notation c.1729_1734delATGCTT).
Protein change: p.Met577_Leu578del.
Molecular consequence: inframe deletion. On other transcripts: inframe indel (1).
Genome position (GRCh38, 1-based): chr17:31,223,451-31,223,456, ATGCTT deleted. VCF-style (leftmost placement, unchanged base first): chr17-31223450-AATGCTT-A. GRCh37 (hg19) VCF-style: chr17-29550468-AATGCTT-A.
Other names: c.1729_1734delATGCTT, p.Met577_Leu578del (NM_000267.4).
Identifiers: ClinVar variation 2729936 (VCV002729936.3), dbSNP rs2508124592, ClinGen allele CA2697559674.
Genomic context (GRCh38, chr17:31,223,450, plus strand): 5'-ATCTGCATTAGGTTATTGATGATGCTAGTAACAATGAACTTTATGTTACTGCAGCTCACA[AATGCTT>A]TTTTACATCTGCAAGAAATTAACTAGTCATCAAATGCTTAGTAGCACAGAAATTCTCAAG-3'

ClinVar aggregate classification (germline): Pathogenic (1 of 4 stars; one submission).

Conditions:
Neurofibromatosis, type 1 (NF1). Also called: Neurofibromatosis, type I; NEUROFIBROMATOSIS, TYPE I, SOMATIC; Peripheral type neurofibromatosis; VON RECKLINGHAUSEN DISEASE. Identifiers: Orphanet 636, MedGen C0027831, MONDO:0018975, OMIM 162200. Disease mechanism: loss of function.

Submission:

Labcorp Genetics (formerly Invitae), Labcorp
Classification: Pathogenic for Neurofibromatosis, type 1. Last evaluated: 2023-06-27. Review status: criteria provided, single submitter. Criteria: Invitae Variant Classification Sherloc (09022015). Collection method: clinical testing. Allele origin: germline.
Comment: For these reasons, this variant has been classified as Pathogenic. This variant disrupts a region of the NF1 protein in which other variant(s) (p.Leu578Arg) have been determined to be pathogenic (PMID: 12746402, 23668869, 25211147). This suggests that this is a clinically significant region of the protein, and that variants that disrupt it are likely to be disease-causing. This variant has not been reported in the literature in individuals affected with NF1-related conditions. This variant is not present in population databases (gnomAD no frequency). This variant, c.1729_1734del, results in the deletion of 2 amino acid(s) of the NF1 protein (p.Met577_Leu578del), but otherwise preserves the integrity of the reading frame.

Literature cited by the submitters: PubMed 12746402; PubMed 23668869; PubMed 25211147.